The following is an entry in ClinVar:

NM_032638.5(GATA2):c.729C>T (p.His243=)

Gene: GATA2 (GATA binding protein 2; minus strand). Cytogenetic location: 3q21.3.
Variant type: single nucleotide variant.
Coding change: c.729C>T on transcript NM_032638.5 (MANE Select); coding-DNA position 729, C replaced by T.
Protein change: p.His243=; no amino-acid change (histidine 243 retained).
Molecular consequence: synonymous variant.
Genome position (GRCh38, 1-based): chr3:128,485,869, G>A on the plus strand (C>T on the coding strand, the complement: GATA2 is on the minus strand). VCF-style: chr3-128485869-G-A. GRCh37 (hg19) VCF-style: chr3-128204712-G-A.
Other names: c.729C>T, p.His243= (NM_001145661.2, NM_001145662.1); c.729C>T (NM_001145661.1).
Identifiers: ClinVar variation 539724 (VCV000539724.15), dbSNP rs369673069, ClinGen allele CA2599969.

ClinVar aggregate classification (germline): Likely benign. Review status: criteria provided, multiple submitters, no conflicts (2 of 4 stars). 4 submissions from 4 submitters: Likely benign (3). 1 of the submissions does not count toward it. Last evaluated 2025-10-01.

Conditions:
Inborn genetic diseases. Identifiers: MedGen C0950123, MeSH D030342.
Deafness-lymphedema-leukemia syndrome. Also called: Lymphedema, primary, with myelodysplasia; Emberger syndrome. Identifiers: Orphanet 3226, MedGen C3279664, MONDO:0013540, OMIM 614038.
Monocytopenia with susceptibility to infections. Also called: MONOCYTOPENIA AND MYCOBACTERIAL INFECTION SYNDROME; MONOCYTOPENIA WITH SUSCEPTIBILITY TO MYCOBACTERIAL, FUNGAL, AND PAPILLOMAVIRUS INFECTIONS AND MYELODYSPLASIA; COMBINED IMMUNODEFICIENCY WITH SUSCEPTIBILITY TO MYCOBACTERIAL, VIRAL, AND FUNGAL INFECTIONS; Dendritic cell, monocyte, B lymphocyte, and natural killer lymphocyte deficiency; IMMUNODEFICIENCY 21; GATA2 DEFICIENCY. Identifiers: Orphanet 228423, MedGen C3280030, MONDO:0013607, OMIM 614172.
GATA2-related disorder. Also called: GATA2-Related Disorders; GATA2-related condition.

Allele frequency attached by ClinVar (database versions not stated): gnomAD exomes 0.00001 and 0.00003; ExAC 0.00004; ESP Exome Variant Server 0.00008; gnomAD 0.00013 and 0.00016; TOPMed 0.00017.

Submissions (4):

Labcorp Genetics (formerly Invitae), Labcorp
Classification: Likely benign for Monocytopenia with susceptibility to infections; Deafness-lymphedema-leukemia syndrome. Last evaluated: 2025-10-01. Review status: criteria provided, single submitter. Criteria: Invitae Variant Classification Sherloc (09022015). Collection method: clinical testing. Allele origin: germline.

Blueprint Genetics
Classification: Likely benign. Last evaluated: 2024-10-30. Review status: criteria provided, single submitter. Criteria: ACMG Guidelines, 2015. Collection method: clinical testing. Allele origin: germline.

Ambry Genetics
Classification: Likely benign for Inborn genetic diseases. Last evaluated: 2024-08-21. Review status: criteria provided, single submitter. Criteria: Ambry Variant Classification Scheme 2023. Collection method: clinical testing. Allele origin: germline.

PreventionGenetics, part of Exact Sciences
Classification: Likely benign for GATA2-related condition. Last evaluated: 2021-11-17. Review status: no assertion criteria provided. Collection method: clinical testing. Allele origin: germline. Not counted in ClinVar's aggregate classification.
Comment: This variant is classified as likely benign based on ACMG/AMP sequence variant interpretation guidelines (Richards et al. 2015 PMID: 25741868, with internal and published modifications).